The following is an entry in ClinVar:

ClinVar aggregate classification (germline): Uncertain significance. Review status: criteria provided, multiple submitters, no conflicts (2 of 4 stars). 2 submissions from 2 submitters: Uncertain significance (2). Last evaluated 2024-08-13.

Conditions:
Epidermolysis bullosa simplex 5B, with muscular dystrophy (EBS5B). Also called: EPIDERMOLYSIS BULLOSA SIMPLEX AND LIMB-GIRDLE MUSCULAR DYSTROPHY; Epidermolysis bullosa simplex with muscular dystrophy. Identifiers: Orphanet 257, MedGen C2931072, MONDO:0009181, OMIM 226670.
Epidermolysis bullosa simplex with nail dystrophy (EBS5D). Identifiers: MedGen C4225309, MONDO:0014661, OMIM 616487.
Epidermolysis bullosa simplex 5C, with pyloric atresia (EBS5C). Also called: PLEC-Related Epidermolysis Bullosa with Pyloric Atresia; Epidermolysis bullosa simplex with pyloric atresia; PLEC1-Related Epidermolysis Bullosa with Pyloric Atresia. Identifiers: Orphanet 158684, MedGen C2677349, MONDO:0012807, OMIM 612138.
Autosomal recessive limb-girdle muscular dystrophy type 2Q (LGMDR17). Also called: MUSCULAR DYSTROPHY, LIMB-GIRDLE, AUTOSOMAL RECESSIVE 17. Identifiers: Orphanet 254361, MedGen C3150989, MONDO:0013390, OMIM 613723.
Epidermolysis bullosa simplex, Ogna type (EBS5A). Also called: EPIDERMOLYSIS BULLOSA SIMPLEX 5A, OGNA TYPE; Pidermolysis bullosa simplex 5A, Ogna type. Identifiers: Orphanet 79401, MedGen C0432317, MONDO:0007555, OMIM 131950.

Allele frequency attached by ClinVar (database versions not stated): gnomAD exomes below 0.00001; ExAC 0.00001; TOPMed 0.00005; gnomAD 0.00007; ESP Exome Variant Server 0.00008.
gnomAD v4.1: 19 of 1,600,914 alleles (0.0012%); highest among the groups gnomAD compares: African/African-American, 0.017%; no homozygotes.

Submissions (2):

Labcorp Genetics (formerly Invitae), Labcorp
Classification: Uncertain significance for Autosomal recessive limb-girdle muscular dystrophy type 2Q; Epidermolysis bullosa simplex, Ogna type; Epidermolysis bullosa simplex with nail dystrophy; Epidermolysis bullosa simplex 5C, with pyloric atresia; Epidermolysis bullosa simplex 5B, with muscular dystrophy. Last evaluated: 2024-08-13. Review status: criteria provided, single submitter. Criteria: Invitae Variant Classification Sherloc (09022015). Collection method: clinical testing. Allele origin: germline.
Comment: This sequence change replaces isoleucine, which is neutral and non-polar, with valine, which is neutral and non-polar, at codon 1122 of the PLEC protein (p.Ile1122Val). This variant is present in population databases (rs367688172, gnomAD 0.01%). This variant has not been reported in the literature in individuals affected with PLEC-related conditions. ClinVar contains an entry for this variant (Variation ID: 2434932). Invitae Evidence Modeling of protein sequence and biophysical properties (such as structural, functional, and spatial information, amino acid conservation, physicochemical variation, residue mobility, and thermodynamic stability) indicates that this missense variant is not expected to disrupt PLEC protein function with a negative predictive value of 80%. In summary, the available evidence is currently insufficient to determine the role of this variant in disease. Therefore, it has been classified as a Variant of Uncertain Significance.

Revvity Omics, Revvity
Classification: Uncertain significance. Last evaluated: 2019-12-27. Review status: criteria provided, single submitter. Criteria: ACMG Guidelines, 2015. Collection method: clinical testing. Allele origin: germline.

NM_201384.3(PLEC):c.3283A>G (p.Ile1095Val)

Gene: PLEC (plectin; minus strand). Cytogenetic location: 8q24.3.
Variant type: single nucleotide variant.
Coding change: c.3283A>G on transcript NM_201384.3 (MANE Select); coding-DNA position 3283, A replaced by G.
Protein change: p.Ile1095Val; replaces isoleucine 1095 with valine.
Molecular consequence: missense variant.
Genome position (GRCh38, 1-based): chr8:143,927,970, T>C on the plus strand (A>G on the coding strand, the complement: PLEC is on the minus strand). VCF-style: chr8-143927970-T-C. GRCh37 (hg19) VCF-style: chr8-145002138-T-C.
Other names: c.3364A>G, p.Ile1122Val (NM_000445.5, NM_001410941.1); c.3241A>G, p.Ile1081Val (NM_201378.4); c.3217A>G, p.Ile1073Val (NM_201379.3); c.3694A>G, p.Ile1232Val (NM_201380.4); c.3187A>G, p.Ile1063Val (NM_201381.3); c.3283A>G, p.Ile1095Val (NM_201382.4); c.3295A>G, p.Ile1099Val (NM_201383.3); short protein forms I1063V, I1073V, I1081V, I1095V, I1099V, I1122V, I1232V.
Identifiers: ClinVar variation 2434932 (VCV002434932.6), dbSNP rs367688172, ClinGen allele CA4927138.